The following is an entry in ClinVar:

ClinVar aggregate classification (germline): Uncertain significance (1 of 4 stars; one submission).

gnomAD v4.1: 2 of 1,611,466 alleles (0.00012%); highest among the groups gnomAD compares: Admixed American, 0.0017%; no homozygotes.

Submission:

Labcorp Genetics (formerly Invitae), Labcorp
Classification: Uncertain significance. Last evaluated: 2025-05-01. Review status: criteria provided, single submitter. Criteria: Invitae Variant Classification Sherloc (09022015). Collection method: clinical testing. Allele origin: germline.
Comment: This sequence change replaces alanine, which is neutral and non-polar, with valine, which is neutral and non-polar, at codon 522 of the SPTBN2 protein (p.Ala522Val). This variant is not present in population databases (gnomAD no frequency). This variant has not been reported in the literature in individuals affected with SPTBN2-related conditions. Invitae Evidence Modeling of protein sequence and biophysical properties (such as structural, functional, and spatial information, amino acid conservation, physicochemical variation, residue mobility, and thermodynamic stability) has been performed for this missense variant. However, the output from this modeling did not meet the statistical confidence thresholds required to predict the impact of this variant on SPTBN2 protein function. In summary, the available evidence is currently insufficient to determine the role of this variant in disease. Therefore, it has been classified as a Variant of Uncertain Significance.

NM_006946.4(SPTBN2):c.1565C>T (p.Ala522Val)

Gene: SPTBN2 (spectrin beta, non-erythrocytic 2; minus strand). Cytogenetic location: 11q13.2.
Variant type: single nucleotide variant.
Coding change: c.1565C>T on transcript NM_006946.4 (MANE Select); coding-DNA position 1565, C replaced by T.
Protein change: p.Ala522Val; replaces alanine 522 with valine.
Molecular consequence: missense variant.
Genome position (GRCh38, 1-based): chr11:66,707,604, G>A on the plus strand (C>T on the coding strand, the complement: SPTBN2 is on the minus strand). VCF-style: chr11-66707604-G-A. GRCh37 (hg19) VCF-style: chr11-66475075-G-A.
Other names: c.1586C>T, p.Ala529Val (NM_001411025.1); c.1565C>T, p.Ala522Val (NM_001437541.1); short protein forms A529V, A522V.
Identifiers: ClinVar variation 4738134 (VCV004738134.1).